The following is an entry in ClinVar:

ClinVar aggregate classification (germline): Uncertain significance (1 of 4 stars; one submission).

Conditions:
CREBBP-related disorder. Also called: CREBBP-related disorders; CREBBP-related condition.

Submission:

PreventionGenetics, part of Exact Sciences
Classification: Uncertain significance for CREBBP-related condition. Last evaluated: 2025-08-19. Review status: criteria provided, single submitter. Criteria: ACMG Guidelines, 2015. Collection method: clinical testing. Allele origin: germline.
Comment: The CREBBP c.3045G>T variant is not predicted to result in an amino acid change (p.=). This variant is predicted to alter splicing based on available splicing prediction programs (SpliceAI, Jaganathan et al. 2019. PubMed ID: 30661751). However, the use of computer prediction programs is not equivalent to functional evidence. To our knowledge, this variant has not been reported in the literature or in a large population database (gnomAD), indicating this variant is rare. Although we suspect that this variant may be pathogenic, at this time, the clinical significance of this variant is uncertain due to the absence of conclusive functional and genetic evidence.

NM_004380.3(CREBBP):c.3045G>T (p.Gly1015=)

Gene: CREBBP (CREB binding lysine acetyltransferase; minus strand). Cytogenetic location: 16p13.3.
Variant type: single nucleotide variant.
Coding change: c.3045G>T on transcript NM_004380.3 (MANE Select); coding-DNA position 3045, G replaced by T.
Protein change: p.Gly1015=; no amino-acid change (glycine 1015 retained).
Molecular consequence: synonymous variant.
Genome position (GRCh38, 1-based): chr16:3,769,189, C>A on the plus strand (G>T on the coding strand, the complement: CREBBP is on the minus strand). VCF-style: chr16-3769189-C-A. GRCh37 (hg19) VCF-style: chr16-3819190-C-A.
Other names: c.2931G>T, p.Gly977= (NM_001079846.1).
Identifiers: ClinVar variation 4994240 (VCV004994240.1).